The following is an entry in ClinVar:

ClinVar aggregate classification (germline): Uncertain significance (1 of 4 stars; one submission).

Conditions:
McKusick-Kaufman syndrome (MKKS). Also called: HYDROMETROCOLPOS SYNDROME; HYDROMETROCOLPOS, POSTAXIAL POLYDACTYLY, AND CONGENITAL HEART MALFORMATION. Identifiers: Orphanet 2473, MedGen C0948368, MONDO:0009367, OMIM 236700.
Bardet-Biedl syndrome (BBS). Identifiers: Orphanet 110, MedGen C0752166, MONDO:0015229.

Submission:

Labcorp Genetics (formerly Invitae), Labcorp
Classification: Uncertain significance for McKusick-Kaufman syndrome; Bardet-Biedl syndrome. Last evaluated: 2022-06-13. Review status: criteria provided, single submitter. Criteria: Invitae Variant Classification Sherloc (09022015). Collection method: clinical testing. Allele origin: germline.
Comment: In summary, the available evidence is currently insufficient to determine the role of this variant in disease. Therefore, it has been classified as a Variant of Uncertain Significance. Algorithms developed to predict the effect of missense changes on protein structure and function are either unavailable or do not agree on the potential impact of this missense change (SIFT: "Deleterious"; PolyPhen-2: "Probably Damaging"; Align-GVGD: "Class C0"). This variant has not been reported in the literature in individuals affected with MKKS-related conditions. This variant is not present in population databases (gnomAD no frequency). This sequence change replaces threonine, which is neutral and polar, with arginine, which is basic and polar, at codon 555 of the MKKS protein (p.Thr555Arg).

NM_170784.3(MKKS):c.1664C>G (p.Thr555Arg)

Gene: MKKS (MKKS centrosomal shuttling protein; minus strand). Cytogenetic location: 20p12.2.
Variant type: single nucleotide variant.
Coding change: c.1664C>G on transcript NM_170784.3 (MANE Select); coding-DNA position 1664, C replaced by G.
Protein change: p.Thr555Arg; replaces threonine 555 with arginine.
Molecular consequence: missense variant. On other transcripts: non-coding transcript variant (1).
Genome position (GRCh38, 1-based): chr20:10,405,296, G>C on the plus strand (C>G on the coding strand, the complement: MKKS is on the minus strand). VCF-style: chr20-10405296-G-C. GRCh37 (hg19) VCF-style: chr20-10385944-G-C.
Other names: c.1664C>G, p.Thr555Arg (NM_018848.3); short protein forms T555R.
Identifiers: ClinVar variation 1394360 (VCV001394360.6), dbSNP rs369472120, ClinGen allele CA408230404.